The following is an entry in ClinVar:

ClinVar aggregate classification (germline): Likely benign. Review status: criteria provided, multiple submitters, no conflicts (2 of 4 stars). 4 submissions from 4 submitters: Likely benign (3). 1 of the submissions does not count toward it. Last evaluated 2026-02-01.

Conditions:
CEP164-related disorder. Also called: CEP164-related condition.
Nephronophthisis 15 (NPHP15). Identifiers: Orphanet 3156, MedGen C3541853, MONDO:0013917, OMIM 614845.

Allele frequency attached by ClinVar (database versions not stated): gnomAD exomes 0.00009 and 0.00027; ExAC 0.00031; ESP Exome Variant Server 0.00046; gnomAD 0.00069 and 0.00075; TOPMed 0.00086; 1000 Genomes Project 30x 0.00094; 1000 Genomes Project 0.00100.
gnomAD v4.1: 243 of 1,613,654 alleles (0.015%); highest among the groups gnomAD compares: African/African-American, 0.22%; 1 homozygote.

Submissions (4):

Labcorp Genetics (formerly Invitae), Labcorp
Classification: Likely benign for Nephronophthisis 15. Last evaluated: 2026-02-01. Review status: criteria provided, single submitter. Criteria: Invitae Variant Classification Sherloc (09022015). Collection method: clinical testing. Allele origin: germline.

Blueprint Genetics
Classification: Likely benign. Last evaluated: 2024-02-20. Review status: criteria provided, single submitter. Criteria: ACMG Guidelines, 2015. Collection method: clinical testing. Allele origin: germline.

Johns Hopkins Genomics, Johns Hopkins University
Classification: Likely benign for Nephronophthisis 15. Last evaluated: 2021-08-19. Review status: criteria provided, single submitter. Criteria: ACMG Guidelines, 2015. Collection method: clinical testing. Allele origin: germline.

PreventionGenetics, part of Exact Sciences
Classification: Likely benign for CEP164-related condition. Last evaluated: 2023-01-07. Review status: no assertion criteria provided. Collection method: clinical testing. Allele origin: germline. Not counted in ClinVar's aggregate classification.
Comment: This variant is classified as likely benign based on ACMG/AMP sequence variant interpretation guidelines (Richards et al. 2015 PMID: 25741868, with internal and published modifications).

Literature cited by the submitters: PubMed 17954613 (cited by Johns Hopkins Genomics, Johns Hopkins University).

NM_014956.5(CEP164):c.2021G>A (p.Arg674Gln)

Gene: CEP164 (centrosomal protein 164; plus strand). Cytogenetic location: 11q23.3.
Variant type: single nucleotide variant.
Coding change: c.2021G>A on transcript NM_014956.5 (MANE Select); coding-DNA position 2021, G replaced by A.
Protein change: p.Arg674Gln; replaces arginine 674 with glutamine.
Molecular consequence: missense variant.
Genome position (GRCh38, 1-based): chr11:117,390,863, G>A. VCF-style: chr11-117390863-G-A. GRCh37 (hg19) VCF-style: chr11-117261579-G-A.
Other names: c.2030G>A, p.Arg677Gln (NM_001271933.2); short protein forms R674Q, R677Q.
Identifiers: ClinVar variation 766845 (VCV000766845.15), dbSNP rs142184414, ClinGen allele CA6294928.